The following is an entry in ClinVar:

ClinVar aggregate classification (germline): Uncertain significance. Review status: criteria provided, multiple submitters, no conflicts (2 of 4 stars). 2 submissions from 2 submitters: Uncertain significance (2). Last evaluated 2024-10-22.

Conditions:
Inborn genetic diseases. Identifiers: MedGen C0950123, MeSH D030342.

Allele frequency attached by ClinVar (database versions not stated): TOPMed below 0.00001.
gnomAD v4.1: 3 of 1,613,890 alleles (0.00019%); highest among the groups gnomAD compares: Non-Finnish European, 0.000085%; no homozygotes.

Submissions (2):

Labcorp Genetics (formerly Invitae), Labcorp
Classification: Uncertain significance. Last evaluated: 2024-10-22. Review status: criteria provided, single submitter. Criteria: Invitae Variant Classification Sherloc (09022015). Collection method: clinical testing. Allele origin: germline.
Comment: This sequence change replaces alanine, which is neutral and non-polar, with valine, which is neutral and non-polar, at codon 424 of the LCT protein (p.Ala424Val). This variant is not present in population databases (gnomAD no frequency). This variant has not been reported in the literature in individuals affected with LCT-related conditions. ClinVar contains an entry for this variant (Variation ID: 2089561). An algorithm developed to predict the effect of missense changes on protein structure and function outputs the following: PolyPhen-2: "Benign". The valine amino acid residue is found in multiple mammalian species, which suggests that this missense change does not adversely affect protein function. In summary, the available evidence is currently insufficient to determine the role of this variant in disease. Therefore, it has been classified as a Variant of Uncertain Significance.

Ambry Genetics
Classification: Uncertain significance for Inborn genetic diseases. Last evaluated: 2022-12-06. Review status: criteria provided, single submitter. Criteria: Ambry Variant Classification Scheme 2023. Collection method: clinical testing. Allele origin: germline.

NM_002299.4(LCT):c.1271C>T (p.Ala424Val)

Genes: LCT (lactase; minus strand), LOC126806353 (BRD4-independent group 4 enhancer GRCh37_chr2:136574960-136576159; plus strand). Cytogenetic location: 2q21.3.
Variant type: single nucleotide variant.
Coding change: c.1271C>T on transcript NM_002299.4 (MANE Select); coding-DNA position 1271, C replaced by T.
Protein change: p.Ala424Val; replaces alanine 424 with valine.
Molecular consequence: missense variant.
Genome position (GRCh38, 1-based): chr2:135,817,777, G>A on the plus strand (C>T on the coding strand, the complement: LCT is on the minus strand). VCF-style: chr2-135817777-G-A. GRCh37 (hg19) VCF-style: chr2-136575347-G-A.
Other names: short protein forms A424V.
Identifiers: ClinVar variation 2089561 (VCV002089561.4), dbSNP rs868499747, ClinGen allele CA56623663.